The following is an entry in ClinVar:

ClinVar aggregate classification (germline): Uncertain significance (1 of 4 stars; one submission).

Conditions:
Fanconi anemia (FA). Also called: Fanconi's anemia. Identifiers: Orphanet 84, MedGen C0015625, MeSH D005199, MONDO:0019391.

Allele frequency attached by ClinVar (database versions not stated): gnomAD 0.00001.

Submission:

Labcorp Genetics (formerly Invitae), Labcorp
Classification: Uncertain significance for Fanconi anemia. Last evaluated: 2022-03-19. Review status: criteria provided, single submitter. Criteria: Invitae Variant Classification Sherloc (09022015). Collection method: clinical testing. Allele origin: germline.
Comment: This sequence change replaces lysine, which is basic and polar, with threonine, which is neutral and polar, at codon 228 of the FANCF protein (p.Lys228Thr). This variant is present in population databases (rs766802308, gnomAD 0.005%). This variant has not been reported in the literature in individuals affected with FANCF-related conditions. Algorithms developed to predict the effect of missense changes on protein structure and function (SIFT, PolyPhen-2, Align-GVGD) all suggest that this variant is likely to be tolerated. In summary, the available evidence is currently insufficient to determine the role of this variant in disease. Therefore, it has been classified as a Variant of Uncertain Significance.

NM_022725.4(FANCF):c.683A>C (p.Lys228Thr)

Gene: FANCF (FA complementation group F; minus strand). Cytogenetic location: 11p14.3.
Variant type: single nucleotide variant.
Coding change: c.683A>C on transcript NM_022725.4 (MANE Select); coding-DNA position 683, A replaced by C.
Protein change: p.Lys228Thr; replaces lysine 228 with threonine.
Molecular consequence: missense variant.
Genome position (GRCh38, 1-based): chr11:22,625,128, T>G on the plus strand (A>C on the coding strand, the complement: FANCF is on the minus strand). VCF-style: chr11-22625128-T-G. GRCh37 (hg19) VCF-style: chr11-22646674-T-G.
Other names: short protein forms K228T.
Identifiers: ClinVar variation 2179391 (VCV002179391.1), dbSNP rs766802308, ClinGen allele CA5924277.